The following is an entry in ClinVar:

NM_152347.5(EFCAB13):c.1779G>A (p.Thr593=)

Gene: EFCAB13 (EF-hand calcium binding domain 13; plus strand). Cytogenetic location: 17q21.32.
Variant type: single nucleotide variant.
Coding change: c.1779G>A on transcript NM_152347.5 (MANE Select); coding-DNA position 1779, G replaced by A.
Protein change: p.Thr593=; no amino-acid change (threonine 593 retained).
Molecular consequence: synonymous variant.
Genome position (GRCh38, 1-based): chr17:47,394,077, G>A. VCF-style: chr17-47394077-G-A. GRCh37 (hg19) VCF-style: chr17-45471443-G-A.
Other names: c.1491G>A, p.Thr497= (NM_001195192.2, NM_001426588.1); c.1779G>A, p.Thr593= (NM_001426585.1); c.1635G>A, p.Thr545= (NM_001426586.1, NM_001426587.1).
Identifiers: ClinVar variation 3056828 (VCV003056828.2), dbSNP rs7217678, ClinGen allele CA8624055.

ClinVar aggregate classification (germline): Benign (0 of 4 stars; one submission).

Conditions:
EFCAB13-related disorder. Also called: EFCAB13-related condition.

Allele frequency attached by ClinVar (database versions not stated): gnomAD exomes 0.00156; ExAC 0.00505; gnomAD 0.01653; 1000 Genomes Project 0.01737; 1000 Genomes Project 30x 0.01811; ESP Exome Variant Server 0.01861; TOPMed 0.01937.
gnomAD v4.1: 4,803 of 1,535,150 alleles (0.31%); highest among the groups gnomAD compares: African/African-American, 5.5%; 113 homozygotes.

Submission:

PreventionGenetics, part of Exact Sciences
Classification: Benign for EFCAB13-related condition. Last evaluated: 2019-03-08. Review status: no assertion criteria provided. Collection method: clinical testing. Allele origin: germline.
Comment: This variant is classified as benign based on ACMG/AMP sequence variant interpretation guidelines (Richards et al. 2015 PMID: 25741868, with internal and published modifications).